The following is an entry in ClinVar:

NM_004655.4(AXIN2):c.837T>G (p.Pro279=)

Gene: AXIN2 (axin 2; minus strand). Cytogenetic location: 17q24.1.
Variant type: single nucleotide variant.
Coding change: c.837T>G on transcript NM_004655.4 (MANE Select); coding-DNA position 837, T replaced by G.
Protein change: p.Pro279=; no amino-acid change (proline 279 retained).
Molecular consequence: synonymous variant.
Genome position (GRCh38, 1-based): chr17:65,549,639, A>C on the plus strand (T>G on the coding strand, the complement: AXIN2 is on the minus strand). VCF-style: chr17-65549639-A-C. GRCh37 (hg19) VCF-style: chr17-63545757-A-C.
Other names: c.837T>G, p.Pro279= (NM_001363813.1).
Identifiers: ClinVar variation 1763161 (VCV001763161.8), dbSNP rs2144539845, ClinGen allele CA501476738.
Genomic context (GRCh38, chr17:65,549,639, plus strand): 5'-GTCGTTGGCGCTGGTGGCTGGTGCAAAGACATAGCCAGAACCTATGTGATAAGGATTAAC[A>C]GGATCGCTCCTCTTGAAGGACCTATGGGCAAAGTACAAAAGTGGTTCAGTCACTGACCCT-3'
Protein context (NP_004646.3, residues 269-289): SGYRSFKRSD[Pro279=]VNPYHIGSGY

ClinVar aggregate classification (germline): Benign/Likely benign. Review status: criteria provided, multiple submitters, no conflicts (2 of 4 stars). 3 submissions from 3 submitters: Benign (1); Likely benign (2). Last evaluated 2024-06-27.

Conditions:
Hereditary cancer-predisposing syndrome. Also called: Neoplastic Syndromes, Hereditary; Tumor predisposition; Hereditary Cancer Syndrome; Hereditary neoplastic syndrome. Identifiers: Orphanet 140162, MedGen C0027672, MeSH D009386, MONDO:0015356.
Oligodontia-cancer predisposition syndrome. Also called: TOOTH AGENESIS-COLORECTAL CANCER SYNDROME. Identifiers: Orphanet 300576, MedGen C1837750, MONDO:0012075, OMIM 608615. Disease mechanism: loss of function.

Submissions (3):

Myriad Genetics, Inc.
Classification: Benign for Oligodontia-cancer predisposition syndrome. Last evaluated: 2024-06-27. Review status: criteria provided, single submitter. Criteria: Myriad Autosomal Dominant, Autosomal Recessive and X-Linked Classification Criteria (2023). Collection method: clinical testing. Allele origin: unknown.
Comment: This variant is considered benign. This variant is a silent/synonymous amino acid change and it is not expected to impact splicing.

Labcorp Genetics (formerly Invitae), Labcorp
Classification: Likely benign for Oligodontia-cancer predisposition syndrome. Last evaluated: 2022-02-25. Review status: criteria provided, single submitter. Criteria: Invitae Variant Classification Sherloc (09022015). Collection method: clinical testing. Allele origin: germline.

Ambry Genetics
Classification: Likely benign for Hereditary cancer-predisposing syndrome. Last evaluated: 2021-07-09. Review status: criteria provided, single submitter. Criteria: Ambry Variant Classification Scheme 2023. Collection method: clinical testing. Allele origin: germline.